The following is an entry in ClinVar:

ClinVar aggregate classification (germline): Likely benign (0 of 4 stars; one submission).

Conditions:
PCCA-related disorder. Also called: PCCA-related condition.

Submission:

PreventionGenetics, part of Exact Sciences
Classification: Likely benign for PCCA-related condition. Last evaluated: 2021-03-04. Review status: no assertion criteria provided. Collection method: clinical testing. Allele origin: germline.
Comment: This variant is classified as likely benign based on ACMG/AMP sequence variant interpretation guidelines (Richards et al. 2015 PMID: 25741868, with internal and published modifications).

NM_000282.4(PCCA):c.638-12_638-9del

Gene: PCCA (propionyl-CoA carboxylase subunit alpha; plus strand). Cytogenetic location: 13q32.3.
Variant type: Deletion.
Coding change: c.638-12_638-9del on transcript NM_000282.4 (MANE Select); 12 bases into the intron before coding-DNA position 638 through 9 bases into the intron before coding-DNA position 638, 4 bases deleted (CCCT; older notation c.638-12_638-9delCCCT).
Molecular consequence: intron variant.
Genome position (GRCh38, 1-based): chr13:100,257,583-100,257,586, CCCT deleted; deleting any 4 consecutive bases within chr13:100,257,582-100,257,586 gives the same sequence; the c. name uses the placement nearest the transcript's 3' end. VCF-style (leftmost placement, unchanged base first): chr13-100257581-TTCCC-T. GRCh37 (hg19) VCF-style: chr13-100909835-TTCCC-T.
Other names: c.638-12_638-9del (NM_001178004.2, NM_001352605.2, NM_001352606.2 and 1 more transcripts); c.-229-5146_-229-5143del (NM_001352610.2, NM_001352611.2, NM_001352612.2); c.560-12_560-9del (NM_001127692.3, NM_001352607.2, NM_001352608.2).
Identifiers: ClinVar variation 3035982 (VCV003035982.2), dbSNP rs2547899424, ClinGen allele CA2561149875.